The following is an entry in ClinVar:

ClinVar aggregate classification (germline): Likely benign (0 of 4 stars; one submission).

Conditions:
RAF1-related disorder. Also called: RAF1-related disorders; RAF1-related condition.

Allele frequency attached by ClinVar (database versions not stated): gnomAD 0.00001; gnomAD exomes 0.00001; TOPMed 0.00001.
gnomAD v4.1: 4 of 398,384 alleles (0.001%); highest among the groups gnomAD compares: Non-Finnish European, 0.0018%; no homozygotes.

Submission:

PreventionGenetics, part of Exact Sciences
Classification: Likely benign for RAF1-related condition. Last evaluated: 2023-11-03. Review status: no assertion criteria provided. Collection method: clinical testing. Allele origin: germline.
Comment: This variant is classified as likely benign based on ACMG/AMP sequence variant interpretation guidelines (Richards et al. 2015 PMID: 25741868, with internal and published modifications).

NM_002880.4(RAF1):c.-262G>C

Gene: RAF1 (Raf-1 proto-oncogene, serine/threonine kinase; minus strand). Cytogenetic location: 3p25.2.
Variant type: single nucleotide variant.
Coding change: c.-262G>C on transcript NM_002880.4 (MANE Select); 262 bases upstream of the start codon, G replaced by C.
Molecular consequence: 5 prime UTR variant. On other transcripts: non-coding transcript variant (3).
Genome position (GRCh38, 1-based): chr3:12,664,048, C>G on the plus strand (G>C on the coding strand, the complement: RAF1 is on the minus strand). VCF-style: chr3-12664048-C-G. GRCh37 (hg19) VCF-style: chr3-12705547-C-G.
Other names: c.-262G>C (NM_001354689.3, NM_001354693.3); c.-485G>C (NM_001354691.3); c.-392G>C (NM_001354692.3, NM_001354694.3, NM_001354695.3).
Identifiers: ClinVar variation 3038424 (VCV003038424.2), dbSNP rs1343259887, ClinGen allele CA898509241.